The following is an entry in ClinVar:

NM_080605.4(B3GALT6):c.54G>C (p.Thr18=)

Gene: B3GALT6 (beta-1,3-galactosyltransferase 6; plus strand). Cytogenetic location: 1p36.33.
Variant type: single nucleotide variant.
Coding change: c.54G>C on transcript NM_080605.4 (MANE Select); coding-DNA position 54, G replaced by C.
Protein change: p.Thr18=; no amino-acid change (threonine 18 retained).
Molecular consequence: synonymous variant.
Genome position (GRCh38, 1-based): chr1:1,232,332, G>C. VCF-style: chr1-1232332-G-C. GRCh37 (hg19) VCF-style: chr1-1167712-G-C.
Identifiers: ClinVar variation 510548 (VCV000510548.1), dbSNP rs1553151162, ClinGen allele CA415378717.
Genomic context (GRCh38, chr1:1,232,332, plus strand): 5'-GGGCGCCATGAAGCTGCTGCGGCGGGCGTGGCGGCGGCGGGCGGCGCTAGGCCTGGGCAC[G>C]CTGGCGCTGTGCGGGGCGGCGCTGCTCTACCTGGCGCGCTGCGCGGCCGAGCCCGGGGAC-3'
Protein context (NP_542172.2, residues 8-28): WRRRAALGLG[Thr18=]LALCGAALLY

ClinVar aggregate classification (germline): Likely benign (1 of 4 stars; one submission).

Submission:

GeneDx
Classification: Likely benign. Last evaluated: 2017-07-10. Review status: criteria provided, single submitter. Criteria: GeneDx Variant Classification (06012015). Collection method: clinical testing. Allele origin: germline. Affected: yes.
Comment: This variant is considered likely benign or benign based on one or more of the following criteria: it is a conservative change, it occurs at a poorly conserved position in the protein, it is predicted to be benign by multiple in silico algorithms, and/or has population frequency not consistent with disease.